The following is an entry in ClinVar:

ClinVar aggregate classification (germline): Pathogenic (1 of 4 stars; one submission).

Conditions:
Fabry disease. Also called: ALPHA-GALACTOSIDASE A DEFICIENCY; ANDERSON-FABRY DISEASE; CERAMIDE TRIHEXOSIDASE DEFICIENCY; GLA DEFICIENCY; HEREDITARY DYSTOPIC LIPIDOSIS; Angiokeratoma corporis diffusum. Identifiers: Orphanet 324, MedGen C0002986, MONDO:0010526, OMIM 301500, HP:0001071. Disease mechanism: Fabry disease is due to inactivating mutations in the X-linked GLA gene resulting in deficiency of the enzyme Alpha Galactosidase-A., loss of function.

Submission:

Genomenon, Inc
Classification: Pathogenic for Fabry disease. Last evaluated: 2026-09-08. Review status: criteria provided, single submitter. Criteria: Genomenon Sequence Variant Interpretation Standards - Updated. Collection method: curation. Allele origin: germline. Affected: yes.
Comment: GLA p.Ser102Ter (c.305C>A) is a nonsense variant that introduces a premature stop codon at amino acid position 102 and is predicted to result in a truncated or absent protein product. This variant has been observed in at least one proband with clinical features consistent with Fabry disease (PMID:39609713). At least one functional study has demonstrated a substantial alteration in protein function relative to the wild-type (PMID:18205205). It is absent or not present at a significant frequency in gnomAD. In conclusion, we classify GLA p.Ser102Ter (c.305C>A) as a pathogenic variant.

Literature cited by the submitters: PubMed 39609713; PubMed 18205205.

NM_000169.3(GLA):c.305C>A (p.Ser102Ter)

Genes: GLA (galactosidase alpha; minus strand), RPL36A-HNRNPH2 (RPL36A-HNRNPH2 readthrough; plus strand). Cytogenetic location: Xq22.1.
Variant type: single nucleotide variant.
Coding change: c.305C>A on transcript NM_000169.3 (MANE Select); coding-DNA position 305, C replaced by A.
Protein change: p.Ser102Ter; replaces serine 102 with a stop codon.
Molecular consequence: nonsense. On other transcripts: non-coding transcript variant (3), intron variant (2).
Genome position (GRCh38, 1-based): chrX:101,403,875, G>T on the plus strand (C>A on the coding strand, the complement: GLA is on the minus strand). VCF-style: chrX-101403875-G-T. GRCh37 (hg19) VCF-style: chrX-100658863-G-T.
Other names: c.428C>A, p.Ser143Ter (NM_001406747.1, NM_001406749.1); c.305C>A, p.Ser102Ter (NM_001406748.1); c.301-8061G>T (NM_001199973.2); c.178-8061G>T (NM_001199974.2); short protein forms S102*, S143*.
Identifiers: ClinVar variation 4087153 (VCV004087153.2).